The following is an entry in ClinVar:

NM_001166108.2(PALLD):c.1965-12651C>T

Gene: PALLD (palladin, cytoskeletal associated protein; plus strand). Cytogenetic location: 4q32.3.
Variant type: single nucleotide variant.
Coding change: c.1965-12651C>T on transcript NM_001166108.2 (MANE Select); 12651 bases into the intron before coding-DNA position 1965, C replaced by T.
Molecular consequence: intron variant. On other transcripts: missense variant (1).
Genome position (GRCh38, 1-based): chr4:168,878,271, C>T. VCF-style: chr4-168878271-C-T. GRCh37 (hg19) VCF-style: chr4-169799422-C-T.
Other names: c.380C>T, p.Ser127Leu (NM_001166110.2); c.1965-12651C>T (NM_016081.4); c.819-12651C>T (NM_001166109.2); c.-157-12651C>T (NM_001367570.1, NM_001367568.1, NM_001367567.1 and 1 more transcripts); short protein forms S127L.
Identifiers: ClinVar variation 3927507 (VCV003927507.1).
Genomic context (GRCh38, chr4:168,878,271, plus strand): 5'-TGTTCCCACTGCCGCCGCCACCACCGCCGCTCCCGAGCCCGGGACAGGCGTCCCACTGCT[C>T]GTCGCCTGCCACCCGCTTCGGCCACAGCCAGACGCCCGCGGCCTTCCTCAGCGCTCTGCT-3'

ClinVar aggregate classification (germline): Uncertain significance (1 of 4 stars; one submission).

gnomAD v4.1: 8 of 1,526,430 alleles (0.00052%); highest among the groups gnomAD compares: South Asian, 0.0012%; no homozygotes.

Submission:

Ambry Genetics
Classification: Uncertain significance. Last evaluated: 2025-03-18. Review status: criteria provided, single submitter. Criteria: Ambry Variant Classification Scheme 2023. Collection method: clinical testing. Allele origin: germline.
Comment: The p.S127L variant (also known as c.380C>T), located in coding exon 1 of the PALLD gene, results from a C to T substitution at nucleotide position 380. The serine at codon 127 is replaced by leucine, an amino acid with dissimilar properties. This amino acid position is conserved. In addition, this alteration is predicted to be tolerated by in silico analysis. Based on the available evidence, the clinical significance of this variant remains unclear.